The following is an entry in ClinVar:

ClinVar aggregate classification (germline): Likely pathogenic. Review status: reviewed by expert panel (3 of 4 stars). 7 submissions from 7 submitters: Likely pathogenic (1). 6 of the submissions do not count toward it. Last evaluated 2025-12-21.

Conditions:
Mucopolysaccharidosis type 1. Also called: IDUA deficiency; MPS I; Mucopolysaccharidosis Type I. Identifiers: Orphanet 579, MedGen C0023786, MONDO:0001586.
Hurler syndrome. Also called: Gargoylism, Hurler Syndrome; MUCOPOLYSACCHARIDOSIS TYPE IH; Severe MPS I (Hurler Syndrome). Identifiers: Orphanet 93473, MedGen C0086795, MONDO:0011758, OMIM 607014.
Mucopolysaccharidosis, MPS-IV-A (MPS4A). Also called: MORQUIO SYNDROME A; Mucopolysaccharidosis type IV A; GALACTOSAMINE-6-SULFATASE DEFICIENCY; GALNS DEFICIENCY; Mucopolysaccharidosis Type IVA; MORQUIO A DISEASE. Identifiers: Orphanet 309297, Orphanet 582, MedGen C0086651, MONDO:0009659, OMIM 253000.

Allele frequency attached by ClinVar (database versions not stated): gnomAD 0.00001; TOPMed 0.00001.
gnomAD v4.1: 3 of 1,611,384 alleles (0.00019%); highest among the groups gnomAD compares: African/African-American, 0.0013%; no homozygotes.

Submissions (7):

ClinGen Lysosomal Storage Disorder Variant Curation Expert Panel
Classification: Likely pathogenic for Mucopolysaccharidosis type 1. Last evaluated: 2025-12-21. Review status: reviewed by expert panel. Criteria: ClinGen LSD ACMG Specifications IDUA V1.1.0. Collection method: curation. Allele origin: germline. Inheritance: Autosomal recessive inheritance.
Comment: The NM_000203.5:c.1883G>C variant in IDUA is a missense variant that is predicted to result in the substitution of arginine by proline at amino acid 628 (p.Arg628Pro). A detailed report was available for one of these patients who had attenuated disease with documented low levels of IDUA activity in plasma and leukocytes, clinical symptoms consistent with MPS I, and elevated CSF GAG levels which decreased into the normal range after intrathecal ERT (PMID: 18792977) (PP4_Moderate). This patient is compound heterozygous for the variant and another variant in IDUA that has been classified by the ClinGen LD VCEP as pathogenic for MPS I, c.1139A>G (p.Gln380Arg). The phase is unknown ( PMID: 12559846, 18792977). The allelic data from the second patient will be used in the classification of p.Ala327Pro and is not included here to avoid circular logic. Total points = 0.5 (PM3_Supporting). The highest population minor allele frequency in gnomAD v4.1.0 is 0.00001336 (1/74840 alleles) in the African/African American population, which is lower than the ClinGen Lysosomal Diseases VCEP’s threshold for PM2_Supporting (<0.00025), meeting this criterion (PM2_Supporting). When expressed in CHO cells, the variant had <1% activity in cell lysate compared to WT (Table 4) and significantly reduced amount of protein with reduced processing on Western blot (Fig. 1) (PMID: 12559846). The computational predictor REVEL gives a score of 0.667 which is in the range 0.644-0.773, evidence that correlates with impact to IDUA function at the supporting level (PMID: 36413997) (PP3). There is a ClinVar entry for this variant (Variation ID: 1064675). In summary, this variant meets the criteria to be classified as pathogenic for mucopolysaccharidosis type I. IDUA-specific ACMG/AMP criteria applied, as specified by the ClinGen Lysosomal Diseases Variant Curation Expert panel (Specifications Version 1.1.0): PS3_Moderate, PP4_Moderate, PP3, PM2_Supporting, PM3_Supporting. (Classification approved by the ClinGen Lysosomal Disease Variant Curation Expert Panel on December 21, 2025)

Myriad Genetics, Inc.
Classification: Likely pathogenic for Mucopolysaccharidosis type 1. Last evaluated: 2026-05-06. Review status: criteria provided, single submitter. Criteria: Myriad Autosomal Dominant, Autosomal Recessive and X-Linked Classification Criteria (2023). Collection method: clinical testing. Allele origin: unknown. Not counted in ClinVar's aggregate classification.
Comment: NM_000203.3(IDUA):c.1883G>C(R628P) is a missense variant classified as likely pathogenic in the context of mucopolysaccharidosis type I. R628P has been observed in cases with relevant disease (PMID: 12559846, Schwan_2025_(Abstract)). Relevant functional assessments of this variant are available in the literature (PMID: 12559846). R628P has been observed in referenced population frequency databases. In summary, NM_000203.3(IDUA):c.1883G>C(R628P) is a missense variant that has functional support for pathogenicity and has been observed more frequently in cases with the relevant disease than in healthy populations. Please note: this variant was assessed in the context of healthy population screening.

Labcorp Genetics (formerly Invitae), Labcorp
Classification: Likely pathogenic for Mucopolysaccharidosis type 1. Last evaluated: 2025-04-08. Review status: criteria provided, single submitter. Criteria: Invitae Variant Classification Sherloc (09022015). Collection method: clinical testing. Allele origin: germline. Not counted in ClinVar's aggregate classification.
Comment: This sequence change replaces arginine, which is basic and polar, with proline, which is neutral and non-polar, at codon 628 of the IDUA protein (p.Arg628Pro). This variant is present in population databases (rs200448421, gnomAD 0.007%). This missense change has been observed in individual(s) with mucopolysaccharidosis type 1 (PMID: 12559846, 18792977). ClinVar contains an entry for this variant (Variation ID: 1064675). Invitae Evidence Modeling of protein sequence and biophysical properties (such as structural, functional, and spatial information, amino acid conservation, physicochemical variation, residue mobility, and thermodynamic stability) indicates that this missense variant is expected to disrupt IDUA protein function with a positive predictive value of 95%. Experimental studies have shown that this missense change affects IDUA function (PMID: 12559846). In summary, the currently available evidence indicates that the variant is pathogenic, but additional data are needed to prove that conclusively. Therefore, this variant has been classified as Likely Pathogenic.

Revvity Omics, Revvity
Classification: Likely pathogenic. Last evaluated: 2025-04-04. Review status: criteria provided, single submitter. Criteria: ACMG Guidelines, 2015. Collection method: clinical testing. Allele origin: germline. Not counted in ClinVar's aggregate classification.

Natera, Inc.
Classification: Likely pathogenic for Mucopolysaccharidosis type I. Last evaluated: 2025-03-09. Review status: criteria provided, single submitter. Criteria: Natera Variant Classification Schema (03/2026). Collection method: clinical testing. Allele origin: germline. Not counted in ClinVar's aggregate classification.
Comment: The c.1883G>C variant in IDUA is a missense variant predicted to cause substitution of arginine to proline at amino acid 628. This variant is rare in the general population with a frequency below the threshold expected for the associated phenotype(s). This variant has been observed in one or more individuals affected with the associated recessive disease, as either homozygous or compound heterozygous with a second variant (PMID: 12559846). Functional studies show that this variant may disrupt protein function (PMID: 12559846). Computational prediction algorithms indicate this variant is likely to affect gene or protein function. Given the available evidence, this variant is classified as Likely Pathogenic.

Foundation for Research in Genetics and Endocrinology, FRIGE's Institute of Human Genetics
Classification: Pathogenic for Mucopolysaccharidosis, MPS-IV-A. Last evaluated: 2023-05-25. Review status: criteria provided, single submitter. Criteria: ACMG Guidelines, 2015. Collection method: clinical testing. Allele origin: germline. Inheritance: Autosomal recessive inheritance. Affected: yes. Observed: 1 heterozygote. Not counted in ClinVar's aggregate classification.
Comment: A Heterozygous variation in exon 14 of the IDUA gene that results in the amino acid substitution of proline for arginine at codon 628 was detected. The observed variant c.1883G>C (p.Arg628Pro) has not been reported in the 1000 genomes and MAF of 0.0004% in gnomAD databases. The in silico prediction of the variant are possibly damaging by PolyPhen-2, SIFT, CADD and MutationTaster. In summary, the variant meets our criteria to be classified as pathogenic.

NxGen MDx
Classification: Likely pathogenic for Hurler syndrome. Last evaluated: 2021-01-27. Review status: criteria provided, single submitter. Criteria: ACMG Guidelines, 2015. Collection method: clinical testing. Allele origin: unknown. Not counted in ClinVar's aggregate classification.
Comment: This missense variant (c.1883G>C) in a hotspot (PM1) on exon 14 of the IDUA gene results in a significant change in size and physicochemical properties of the amino acid (p.R628P). This variant has a low allele frequency in GnomAD exomes and is not found in GnomAD genomes (PM2). In silico models generally predict pathogenicity, per Ou et al. PMID 28676128 (PP3). UniProt classifies this variant as Pathogenic and associates it with Hurler-Scheie Syndrome citing Matte et al. PMID 12559846, who report 2 patients and a functional study in CHO cells demonstrating minimal residual activity (PP5). An additional affected compound heterozygote (Q380R/R628P) is reported in Munoz-Rojas et al. PMID 18792977. We interpret c.1883G>C to be likely pathogenic.

Literature cited by the submitters: PubMed 12559846 (cited by 4 submitters); PubMed 18792977 (cited by Labcorp Genetics (formerly Invitae), Labcorp and NxGen MDx); PubMed 28676128 (cited by NxGen MDx).

NM_000203.5(IDUA):c.1883G>C (p.Arg628Pro)

Gene: IDUA (alpha-L-iduronidase; plus strand). Cytogenetic location: 4p16.3.
Variant type: single nucleotide variant.
Coding change: c.1883G>C on transcript NM_000203.5 (MANE Select); coding-DNA position 1883, G replaced by C.
Protein change: p.Arg628Pro; replaces arginine 628 with proline.
Molecular consequence: missense variant. On other transcripts: non-coding transcript variant (1).
Genome position (GRCh38, 1-based): chr4:1,004,314, G>C. VCF-style: chr4-1004314-G-C. GRCh37 (hg19) VCF-style: chr4-998102-G-C.
Other names: p.Arg628Pro; NM_000203.5(IDUA):c.1883G>C; c.1883G>C (NM_000203.3, NM_000203.4); c.1487G>C, p.Arg496Pro (NM_001363576.1); short protein forms R496P, R628P.
Identifiers: ClinVar variation 1064675 (VCV001064675.14), dbSNP rs200448421, ClinGen allele CA2802464.
Genomic context (GRCh38, chr4:1,004,314, plus strand): 5'-CTCCAGACACAGGTGCTGTCTCTGGCTCCTACCGAGTTCGAGCCCTGGACTACTGGGCCC[G>C]ACCAGGCCCCTTCTCGGACCCTGTGCCGTACCTGGAGGTCCCTGTGCCAAGAGGGCCCCC-3'
Protein context (NP_000194.2, residues 618-638): YRVRALDYWA[Arg628Pro]PGPFSDPVPY